The following is an entry in ClinVar:

NM_003640.5(ELP1):c.2960A>T (p.Asp987Val)

Gene: ELP1 (elongator acetyltransferase complex subunit 1; minus strand). Cytogenetic location: 9q31.3.
Variant type: single nucleotide variant.
Coding change: c.2960A>T on transcript NM_003640.5 (MANE Select); coding-DNA position 2960, A replaced by T.
Protein change: p.Asp987Val; replaces aspartic acid 987 with valine.
Molecular consequence: missense variant.
Genome position (GRCh38, 1-based): chr9:108,891,403, T>A on the plus strand (A>T on the coding strand, the complement: ELP1 is on the minus strand). VCF-style: chr9-108891403-T-A. GRCh37 (hg19) VCF-style: chr9-111653683-T-A.
Other names: c.2618A>T, p.Asp873Val (NM_001318360.2); c.1913A>T, p.Asp638Val (NM_001330749.2); short protein forms D638V, D873V, D987V.
Identifiers: ClinVar variation 2140830 (VCV002140830.4), dbSNP rs2537879006, ClinGen allele CA374417475.

ClinVar aggregate classification (germline): Uncertain significance (1 of 4 stars; one submission).

Allele frequency attached by ClinVar (database versions not stated): gnomAD exomes below 0.00001.

Submission:

Labcorp Genetics (formerly Invitae), Labcorp
Classification: Uncertain significance. Last evaluated: 2022-05-31. Review status: criteria provided, single submitter. Criteria: Invitae Variant Classification Sherloc (09022015). Collection method: clinical testing. Allele origin: germline.
Comment: This sequence change replaces aspartic acid, which is acidic and polar, with valine, which is neutral and non-polar, at codon 987 of the ELP1 protein (p.Asp987Val). This variant is not present in population databases (gnomAD no frequency). This variant has not been reported in the literature in individuals affected with ELP1-related conditions. Algorithms developed to predict the effect of missense changes on protein structure and function (SIFT, PolyPhen-2, Align-GVGD) all suggest that this variant is likely to be tolerated. In summary, the available evidence is currently insufficient to determine the role of this variant in disease. Therefore, it has been classified as a Variant of Uncertain Significance.